The following is an entry in ClinVar:

ClinVar aggregate classification (germline): Uncertain significance (1 of 4 stars; one submission).

Conditions:
Left ventricular noncompaction 8 (LVNC8). Identifiers: Orphanet 154, Orphanet 54260, MedGen C3809288, MONDO:0014152, OMIM 615373.

Submission:

Labcorp Genetics (formerly Invitae), Labcorp
Classification: Uncertain significance for Left ventricular noncompaction 8. Last evaluated: 2022-07-19. Review status: criteria provided, single submitter. Criteria: Invitae Variant Classification Sherloc (09022015). Collection method: clinical testing. Allele origin: germline.
Comment: In summary, the available evidence is currently insufficient to determine the role of this variant in disease. Therefore, it has been classified as a Variant of Uncertain Significance. Algorithms developed to predict the effect of missense changes on protein structure and function are either unavailable or do not agree on the potential impact of this missense change (SIFT: "Deleterious"; PolyPhen-2: "Benign"; Align-GVGD: "Class C15"). ClinVar contains an entry for this variant (Variation ID: 1397974). This variant has not been reported in the literature in individuals affected with PRDM16-related conditions. This variant is not present in population databases (gnomAD no frequency). This sequence change replaces serine, which is neutral and polar, with leucine, which is neutral and non-polar, at codon 1089 of the PRDM16 protein (p.Ser1089Leu).

NM_022114.4(PRDM16):c.3266C>T (p.Ser1089Leu)

Gene: PRDM16 (PR/SET domain 16; plus strand). Cytogenetic location: 1p36.32.
Variant type: single nucleotide variant.
Coding change: c.3266C>T on transcript NM_022114.4 (MANE Select); coding-DNA position 3266, C replaced by T.
Protein change: p.Ser1089Leu; replaces serine 1089 with leucine.
Molecular consequence: missense variant.
Genome position (GRCh38, 1-based): chr1:3,426,207, C>T. VCF-style: chr1-3426207-C-T. GRCh37 (hg19) VCF-style: chr1-3342771-C-T.
Other names: c.3266C>T, p.Ser1089Leu (NM_199454.3); short protein forms S1089L.
Identifiers: ClinVar variation 1397974 (VCV001397974.8), dbSNP rs2100693452, ClinGen allele CA338002923.
Genomic context (GRCh38, chr1:3,426,207, plus strand): 5'-AAGACTCTTATTTCTCGGAAATCAGAAACTTTATTGCCAATAGTGAGATGAACCAAGCAT[C>T]AACGCGAACAGAGAAACGGTAAGAAAACTATCGCGGGCTGGGGAAAGTCTGGACCCGGCC-3'
Protein context (NP_071397.3, residues 1079-1099): FIANSEMNQA[Ser1089Leu]TRTEKRADMQ